The following is an entry in ClinVar:

NM_030665.4(RAI1):c.3906C>G (p.Leu1302=)

Gene: RAI1 (retinoic acid induced 1; plus strand). Cytogenetic location: 17p11.2.
Variant type: single nucleotide variant.
Coding change: c.3906C>G on transcript NM_030665.4 (MANE Select); coding-DNA position 3906, C replaced by G.
Protein change: p.Leu1302=; no amino-acid change (leucine 1302 retained).
Molecular consequence: synonymous variant.
Genome position (GRCh38, 1-based): chr17:17,796,854, C>G. VCF-style: chr17-17796854-C-G. GRCh37 (hg19) VCF-style: chr17-17700168-C-G.
Identifiers: ClinVar variation 4989132 (VCV004989132.1).
Genomic context (GRCh38, chr17:17,796,854, plus strand): 5'-CAAGGGCAATGGCGAGCCTGCCACAAAGCTCCCACCCCCGGAGACCCCCGATGCCTGCCT[C>G]AAGCTCGCCTCTCGGGCAGCCTTCCAGGGGGCCATGAAGACCAAGGTGCTGCCACCCCGG-3'
Protein context (NP_109590.3, residues 1292-1312): LPPPETPDAC[Leu1302=]KLASRAAFQG

ClinVar aggregate classification (germline): Likely benign (1 of 4 stars; one submission).

Conditions:
RAI1-related disorder. Also called: RAI1-related condition.

gnomAD v4.1: 5 of 1,612,866 alleles (0.00031%); highest among the groups gnomAD compares: Middle Eastern, 0.016%; no homozygotes.

Submission:

PreventionGenetics, part of Exact Sciences
Classification: Likely benign for RAI1-related condition. Last evaluated: 2025-05-22. Review status: criteria provided, single submitter. Criteria: ACMG Guidelines, 2015. Collection method: clinical testing. Allele origin: germline.
Comment: This variant is classified as likely benign based on ACMG/AMP sequence variant interpretation guidelines (Richards et al. 2015 PMID: 25741868, with internal and published modifications).